The following is an entry in ClinVar:

NM_001365951.3(KIF1B):c.2846C>T (p.Thr949Met)

Genes: KIF1B (kinesin family member 1B; plus strand), LOC126805614 (BRD4-independent group 4 enhancer GRCh37_chr1:10385546-10386745; plus strand). Cytogenetic location: 1p36.22.
Variant type: single nucleotide variant.
Coding change: c.2846C>T on transcript NM_001365951.3 (MANE Select); coding-DNA position 2846, C replaced by T.
Protein change: p.Thr949Met; replaces threonine 949 with methionine.
Molecular consequence: missense variant.
Genome position (GRCh38, 1-based): chr1:10,326,281, C>T. VCF-style: chr1-10326281-C-T. GRCh37 (hg19) VCF-style: chr1-10386339-C-T.
Other names: c.2846C>T, p.Thr949Met (NM_001365952.1); c.2708C>T, p.Thr903Met (NM_015074.3); short protein forms T949M, T903M.
Identifiers: ClinVar variation 845482 (VCV000845482.18), dbSNP rs141942131, ClinGen allele CA581625.

ClinVar aggregate classification (germline): Uncertain significance. Review status: criteria provided, multiple submitters, no conflicts (2 of 4 stars). 4 submissions from 4 submitters: Uncertain significance (4). Last evaluated 2025-04-16.

Conditions:
Charcot-Marie-Tooth disease type 2. Also called: Charcot-Marie-Tooth type 2. Identifiers: Orphanet 64746, MedGen C0270914, MONDO:0018993.
Charcot-Marie-Tooth disease. Also called: Charcot-Marie-Tooth Hereditary Neuropathy; Charcot-Marie-Tooth Neuropathy. Identifiers: Orphanet 166, MedGen C0007959, MONDO:0015626.
Pheochromocytoma. Also called: MAX-Related Hereditary Paraganglioma-Pheochromocytoma Syndrome. Identifiers: Orphanet 29072, MedGen C0031511, MONDO:0008233, OMIM 171300, HP:0002666.

Allele frequency attached by ClinVar (database versions not stated): 1000 Genomes Project 30x 0.00016; gnomAD 0.00001 and 0.00002; TOPMed 0.00001; gnomAD exomes 0.00002 and 0.00004; ExAC 0.00003; 1000 Genomes Project 0.00020.
gnomAD v4.1: 30 of 1,614,168 alleles (0.0019%); highest among the groups gnomAD compares: Middle Eastern, 0.017%; no homozygotes.

Submissions (4):

Ambry Genetics
Classification: Uncertain significance. Last evaluated: 2025-04-16. Review status: criteria provided, single submitter. Criteria: Ambry Variant Classification Scheme 2023. Collection method: clinical testing. Allele origin: germline.
Comment: The p.T903M variant (also known as c.2708C>T), located in coding exon 24 of the KIF1B gene, results from a C to T substitution at nucleotide position 2708. The threonine at codon 903 is replaced by methionine, an amino acid with similar properties. This amino acid position is well conserved in available vertebrate species. In addition, this alteration is predicted to be tolerated by in silico analysis. Since supporting evidence is limited at this time, the clinical significance of this alteration remains unclear.

Labcorp Genetics (formerly Invitae), Labcorp
Classification: Uncertain significance for Charcot-Marie-Tooth disease type 2. Last evaluated: 2024-03-27. Review status: criteria provided, single submitter. Criteria: Invitae Variant Classification Sherloc (09022015). Collection method: clinical testing. Allele origin: germline.
Comment: This sequence change replaces threonine, which is neutral and polar, with methionine, which is neutral and non-polar, at codon 903 of the KIF1B protein (p.Thr903Met). This variant is present in population databases (rs141942131, gnomAD 0.006%). This missense change has been observed in individual(s) with Charcot-Marie-Tooth disease (PMID: 32376792). ClinVar contains an entry for this variant (Variation ID: 845482). Algorithms developed to predict the effect of missense changes on protein structure and function output the following: SIFT: "Not Available"; PolyPhen-2: "Possibly Damaging"; Align-GVGD: "Not Available". The methionine amino acid residue is found in multiple mammalian species, which suggests that this missense change does not adversely affect protein function. In summary, the available evidence is currently insufficient to determine the role of this variant in disease. Therefore, it has been classified as a Variant of Uncertain Significance.

Centre for Mendelian Genomics, University Medical Centre Ljubljana
Classification: Uncertain significance for Pheochromocytoma. Last evaluated: 2019-02-28. Review status: criteria provided, single submitter. Criteria: ACMG Guidelines, 2015. Collection method: clinical testing. Allele origin: unknown. Affected: yes.
Comment: This variant was classified as: Uncertain significance. The available evidence on this variant's pathogenicity is insufficient or conflicting. The following ACMG criteria were applied in classifying this variant: No criteria apply.

Molecular Genetics Laboratory, London Health Sciences Centre
Classification: Uncertain significance for Charcot-Marie-Tooth disease. Review status: criteria provided, single submitter. Criteria: ACMG Guidelines, 2015. Collection method: clinical testing. Allele origin: germline. Affected: yes.

Literature cited by the submitters: PubMed 32376792 (cited by Labcorp Genetics (formerly Invitae), Labcorp).